The following is an entry in ClinVar:

ClinVar aggregate classification (germline): Uncertain significance. Review status: criteria provided, multiple submitters, no conflicts (2 of 4 stars). 3 submissions from 3 submitters: Uncertain significance (3). Last evaluated 2024-12-02.

Conditions:
Congenital dyserythropoietic anemia, type II (CDAN2). Also called: DYSERYTHROPOIETIC ANEMIA, HEMPAS TYPE. Identifiers: Orphanet 98873, MedGen C1306589, MONDO:0009134, OMIM 224100.
Cowden syndrome 7 (CWS7). Identifiers: Orphanet 201, MedGen C4225179, MONDO:0014802, OMIM 616858.

gnomAD v4.1: 30 of 1,614,002 alleles (0.0019%); highest among the groups gnomAD compares: Admixed American, 0.01%; no homozygotes.

Submissions (3):

Labcorp Genetics (formerly Invitae), Labcorp
Classification: Uncertain significance for Congenital dyserythropoietic anemia, type II; Cowden syndrome 7. Last evaluated: 2024-12-02. Review status: criteria provided, single submitter. Criteria: Invitae Variant Classification Sherloc (09022015). Collection method: clinical testing. Allele origin: germline.
Comment: This sequence change replaces proline, which is neutral and non-polar, with leucine, which is neutral and non-polar, at codon 703 of the SEC23B protein (p.Pro703Leu). This variant is present in population databases (rs11696673, gnomAD 0.005%). This missense change has been observed in individual(s) with clinical features of congenital dyserythropoietic anemia (PMID: 29031773). Invitae Evidence Modeling of protein sequence and biophysical properties (such as structural, functional, and spatial information, amino acid conservation, physicochemical variation, residue mobility, and thermodynamic stability) indicates that this missense variant is expected to disrupt SEC23B protein function with a positive predictive value of 95%. In summary, the available evidence is currently insufficient to determine the role of this variant in disease. Therefore, it has been classified as a Variant of Uncertain Significance.

Women's Health and Genetics/Laboratory Corporation of America, LabCorp
Classification: Uncertain significance. Last evaluated: 2024-05-15. Review status: criteria provided, single submitter. Criteria: LabCorp Variant Classification Summary - May 2015. Collection method: clinical testing. Allele origin: germline.
Comment: Variant summary: SEC23B c.2108C>T (p.Pro703Leu) results in a non-conservative amino acid change located in the Gelsolin-like domain of the encoded protein sequence. Five of five in-silico tools predict a damaging effect of the variant on protein function. The variant allele was found at a frequency of 2e-05 in 251464 control chromosomes. The available data on variant occurrences in the general population are insufficient to allow any conclusion about variant significance. c.2108C>T has been reported in the literature in one individual affected with Congenital dyserythropoietic anemia, type II. This report does not provide unequivocal conclusions about association of the variant with Congenital dyserythropoietic anemia, type II. To our knowledge, no experimental evidence demonstrating an impact on protein function has been reported. The following publication have been ascertained in the context of this evaluation (PMID: 29031773). No submitters have cited clinical-significance assessments for this variant to ClinVar. Based on the evidence outlined above, the variant was classified as uncertain significance.

Blueprint Genetics
Classification: Uncertain significance. Last evaluated: 2024-02-12. Review status: criteria provided, single submitter. Criteria: ACMG Guidelines, 2015. Collection method: clinical testing. Allele origin: germline.

Literature cited by the submitters: PubMed 29031773 (cited by Labcorp Genetics (formerly Invitae), Labcorp and Women's Health and Genetics/Laboratory Corporation of America, LabCorp).

NM_006363.6(SEC23B):c.2108C>T (p.Pro703Leu)

Gene: SEC23B (SEC23 homolog B, COPII component; plus strand). Cytogenetic location: 20p11.23.
Variant type: single nucleotide variant.
Coding change: c.2108C>T on transcript NM_006363.6 (MANE Select); coding-DNA position 2108, C replaced by T.
Protein change: p.Pro703Leu; replaces proline 703 with leucine.
Molecular consequence: missense variant.
Genome position (GRCh38, 1-based): chr20:18,554,350, C>T. VCF-style: chr20-18554350-C-T. GRCh37 (hg19) VCF-style: chr20-18534994-C-T.
Other names: c.2108C>T, p.Pro703Leu (NM_001172745.3, NM_032985.6, NM_032986.5); c.2054C>T, p.Pro685Leu (NM_001172746.3); short protein forms P685L, P703L.
Identifiers: ClinVar variation 3336581 (VCV003336581.4).
Genomic context (GRCh38, chr20:18,554,350, plus strand): 5'-TCAAGCACCTTCTGCAGGCACCACTGGATGATGCTCAAGAAATTCTGCAAGCACGCTTCC[C>T]GATGCCACGTTACATCAACACGGAGCATGGAGGCAGTCAGGTGAGTGAGCTGAGTTCTAA-3'
Protein context (NP_006354.2, residues 693-713): DAQEILQARF[Pro703Leu]MPRYINTEHG